The following is an entry in ClinVar:

ClinVar aggregate classification (germline): Uncertain significance (1 of 4 stars; one submission).

Conditions:
MEGF10-related myopathy (CMYO10A). Also called: Congenital myopathy 10A, severe variant. Identifiers: Orphanet 439212, MedGen C3280679, MONDO:0013731, OMIM 614399.

Allele frequency attached by ClinVar (database versions not stated): gnomAD 0.00001; TOPMed 0.00001.
gnomAD v4.1: 30 of 1,613,978 alleles (0.0019%); highest among the groups gnomAD compares: Non-Finnish European, 0.0024%; no homozygotes.

Submission:

Labcorp Genetics (formerly Invitae), Labcorp
Classification: Uncertain significance for MEGF10-related myopathy. Last evaluated: 2022-05-21. Review status: criteria provided, single submitter. Criteria: Invitae Variant Classification Sherloc (09022015). Collection method: clinical testing. Allele origin: germline.
Comment: In summary, the available evidence is currently insufficient to determine the role of this variant in disease. Therefore, it has been classified as a Variant of Uncertain Significance. Algorithms developed to predict the effect of missense changes on protein structure and function are either unavailable or do not agree on the potential impact of this missense change (SIFT: "Deleterious"; PolyPhen-2: "Benign"; Align-GVGD: "Class C0"). This variant has not been reported in the literature in individuals affected with MEGF10-related conditions. This variant is not present in population databases (gnomAD no frequency). This sequence change replaces aspartic acid, which is acidic and polar, with glutamic acid, which is acidic and polar, at codon 946 of the MEGF10 protein (p.Asp946Glu).

NM_001256545.2(MEGF10):c.2838C>A (p.Asp946Glu)

Gene: MEGF10 (multiple EGF like domains 10; plus strand). Cytogenetic location: 5q23.2.
Variant type: single nucleotide variant.
Coding change: c.2838C>A on transcript NM_001256545.2 (MANE Select); coding-DNA position 2838, C replaced by A.
Protein change: p.Asp946Glu; replaces aspartic acid 946 with glutamic acid.
Molecular consequence: missense variant.
Genome position (GRCh38, 1-based): chr5:127,447,666, C>A. VCF-style: chr5-127447666-C-A. GRCh37 (hg19) VCF-style: chr5-126783358-C-A.
Other names: c.2838C>A, p.Asp946Glu (NM_032446.3); short protein forms D946E.
Identifiers: ClinVar variation 2041223 (VCV002041223.4), dbSNP rs1028478763, ClinGen allele CA126968314.
Genomic context (GRCh38, chr5:127,447,666, plus strand): 5'-CAATCCCAGTTACCACACGCTCACCCAGTGTGCCACATCCCCTCACGTCAACAACAGGGA[C>A]AGGATGACTGTCACGAAGGTGAGAGGAATTGGTTCAAGTCTTTGGAAGTGGGCTGGGGAG-3'
Protein context (NP_001243474.1, residues 936-956): CATSPHVNNR[Asp946Glu]RMTVTKSKNN